The following is an entry in ClinVar:

NM_005633.4(SOS1):c.1842G>A (p.Thr614=)

Gene: SOS1 (SOS Ras/Rac guanine nucleotide exchange factor 1; minus strand). Cytogenetic location: 2p22.1.
Variant type: single nucleotide variant.
Coding change: c.1842G>A on transcript NM_005633.4 (MANE Select); coding-DNA position 1842, G replaced by A.
Protein change: p.Thr614=; no amino-acid change (threonine 614 retained).
Molecular consequence: synonymous variant.
Genome position (GRCh38, 1-based): chr2:39,022,586, C>T on the plus strand (G>A on the coding strand, the complement: SOS1 is on the minus strand). VCF-style: chr2-39022586-C-T. GRCh37 (hg19) VCF-style: chr2-39249727-C-T.
Other names: c.1821G>A, p.Thr607= (NM_001382394.1); c.1842G>A, p.Thr614= (NM_001382395.1).
Identifiers: ClinVar variation 511965 (VCV000511965.14), dbSNP rs143750479, ClinGen allele CA1624542.

ClinVar aggregate classification (germline): Likely benign. Review status: criteria provided, multiple submitters, no conflicts (2 of 4 stars). 6 submissions from 5 submitters: Likely benign (6). Last evaluated 2026-01-27.

Conditions:
Cardiovascular phenotype. Identifiers: MedGen CN230736.
RASopathy. Also called: Noonan spectrum disorder; rasopathies. Identifiers: Orphanet 536391, MedGen C5555857, MONDO:0021060.
Fibromatosis, gingival, 1 (GINGF1). Identifiers: Orphanet 2024, MedGen C4551558, MONDO:0007609, OMIM 135300.
Noonan syndrome 4 (NS4). Also called: SOS1-Related Noonan Syndrome; NOONAN SYNDROME WITH PIGMENTED VILLONODULAR SYNOVITIS. Identifiers: Orphanet 648, MedGen C1853120, MONDO:0012547, OMIM 610733.

Allele frequency attached by ClinVar (database versions not stated): gnomAD exomes 0.00001 and 0.00003; TOPMed 0.00003; ExAC 0.00004; gnomAD 0.00004; 1000 Genomes Project 30x 0.00016; 1000 Genomes Project 0.00020.
gnomAD v4.1: 20 of 1,612,892 alleles (0.0012%); highest among the groups gnomAD compares: African/African-American, 0.012%; no homozygotes.

Submissions (6):

Labcorp Genetics (formerly Invitae), Labcorp
Classification: Likely benign for RASopathy. Last evaluated: 2026-01-27. Review status: criteria provided, single submitter. Criteria: Invitae Variant Classification Sherloc (09022015). Collection method: clinical testing. Allele origin: germline.

Women's Health and Genetics/Laboratory Corporation of America, LabCorp
Classification: Likely benign. Last evaluated: 2025-03-17. Review status: criteria provided, single submitter. Criteria: LabCorp Variant Classification Summary - May 2015. Collection method: clinical testing. Allele origin: germline.

Ambry Genetics
Classification: Likely benign for Cardiovascular phenotype. Last evaluated: 2021-08-14. Review status: criteria provided, single submitter. Criteria: Ambry Variant Classification Scheme 2023. Collection method: clinical testing. Allele origin: germline.

GeneDx
Classification: Likely benign. Last evaluated: 2017-09-08. Review status: criteria provided, single submitter. Criteria: GeneDx Variant Classification (06012015). Collection method: clinical testing. Allele origin: germline. Affected: yes.
Comment: This variant is considered likely benign or benign based on one or more of the following criteria: it is a conservative change, it occurs at a poorly conserved position in the protein, it is predicted to be benign by multiple in silico algorithms, and/or has population frequency not consistent with disease.

Genome-Nilou Lab
Classification: Likely benign for Noonan syndrome 4. Review status: criteria provided, single submitter. Criteria: ACMG Guidelines, 2015. Collection method: clinical testing. Allele origin: germline.

Genome-Nilou Lab
Classification: Likely benign for Fibromatosis, gingival, 1. Review status: criteria provided, single submitter. Criteria: ACMG Guidelines, 2015. Collection method: clinical testing. Allele origin: germline.